The following is an entry in ClinVar:

ClinVar aggregate classification (germline): Uncertain significance (1 of 4 stars; one submission).

Conditions:
Candidiasis, familial, 9 (CANDF9). Identifiers: Orphanet 1334, MedGen C4225324, MONDO:0014642, OMIM 616445.

Allele frequency attached by ClinVar (database versions not stated): gnomAD exomes below 0.00001.
gnomAD v4.1: 1 of 1,607,172 alleles (0.000062%); highest among the groups gnomAD compares: Non-Finnish European, 0.000085%; no homozygotes.

Submission:

Labcorp Genetics (formerly Invitae), Labcorp
Classification: Uncertain significance for Candidiasis, familial, 9. Last evaluated: 2023-01-24. Review status: criteria provided, single submitter. Criteria: Invitae Variant Classification Sherloc (09022015). Collection method: clinical testing. Allele origin: germline.
Comment: In summary, the available evidence is currently insufficient to determine the role of this variant in disease. Therefore, it has been classified as a Variant of Uncertain Significance. Algorithms developed to predict the effect of missense changes on protein structure and function (SIFT, PolyPhen-2, Align-GVGD) all suggest that this variant is likely to be tolerated. This variant has not been reported in the literature in individuals affected with IL17RC-related conditions. This variant is not present in population databases (gnomAD no frequency). This sequence change replaces aspartic acid, which is acidic and polar, with asparagine, which is neutral and polar, at codon 407 of the IL17RC protein (p.Asp407Asn).

NM_153460.4(IL17RC):c.1006G>A (p.Asp336Asn)

Gene: IL17RC (interleukin 17 receptor C; plus strand). Cytogenetic location: 3p25.3.
Variant type: single nucleotide variant.
Coding change: c.1006G>A on transcript NM_153460.4 (MANE Select); coding-DNA position 1006, G replaced by A.
Protein change: p.Asp336Asn; replaces aspartic acid 336 with asparagine.
Molecular consequence: missense variant. On other transcripts: non-coding transcript variant (1).
Genome position (GRCh38, 1-based): chr3:9,928,433, G>A. VCF-style: chr3-9928433-G-A. GRCh37 (hg19) VCF-style: chr3-9970117-G-A.
Other names: c.1006G>A, p.Asp336Asn (NM_001203263.2, NM_001203264.2); c.961G>A, p.Asp321Asn (NM_001203265.2, NM_001367280.1, NM_001410711.1 and 1 more transcripts); c.967G>A, p.Asp323Asn (NM_001367278.1); c.886G>A, p.Asp296Asn (NM_001367279.1); c.1219G>A, p.Asp407Asn (NM_153461.4); short protein forms D321N, D336N, D407N, D323N, D296N.
Identifiers: ClinVar variation 2766142 (VCV002766142.3), dbSNP rs2470309640, ClinGen allele CA351761974.